The following is an entry in ClinVar:

NM_005120.3(MED12):c.4607G>A (p.Arg1536Gln)

Gene: MED12 (mediator complex subunit 12; plus strand). Cytogenetic location: Xq13.1.
Variant type: single nucleotide variant.
Coding change: c.4607G>A on transcript NM_005120.3 (MANE Select); coding-DNA position 4607, G replaced by A.
Protein change: p.Arg1536Gln; replaces arginine 1536 with glutamine.
Molecular consequence: missense variant.
Genome position (GRCh38, 1-based): chrX:71,133,202, G>A. VCF-style: chrX-71133202-G-A. GRCh37 (hg19) VCF-style: chrX-70353052-G-A.
Other names: short protein forms R1536Q.
Identifiers: ClinVar variation 3367376 (VCV003367376.5).

ClinVar aggregate classification (germline): Conflicting classifications of pathogenicity. Review status: criteria provided, conflicting classifications (1 of 4 stars). 3 submissions from 3 submitters: Likely pathogenic (1); Uncertain significance (2). Last evaluated 2026-09-02.

Conditions:
Familial thoracic aortic aneurysm and aortic dissection (TAAD). Also called: Thoracic aortic aneurysms and dissections. Identifiers: Orphanet 91387, MedGen C4707243, MONDO:0019625.
FG syndrome (FGS). Identifiers: MedGen C0220769, MONDO:0002010.

Submissions (3):

GeneDx
Classification: Uncertain significance. Last evaluated: 2026-09-02. Review status: criteria provided, single submitter. Criteria: GeneDx Variant Classification Process June 2021. Collection method: clinical testing. Allele origin: germline.
Comment: Not observed at significant frequency in large population cohorts (gnomAD); In silico analysis supports that this missense variant has a deleterious effect on protein structure/function; Has not been previously published as pathogenic or benign to our knowledge

Labcorp Genetics (formerly Invitae), Labcorp
Classification: Uncertain significance for FG syndrome. Last evaluated: 2025-12-23. Review status: criteria provided, single submitter. Criteria: Invitae Variant Classification Sherloc (09022015). Collection method: clinical testing. Allele origin: germline.
Comment: This sequence change replaces arginine, which is basic and polar, with glutamine, which is neutral and polar, at codon 1536 of the MED12 protein (p.Arg1536Gln). This variant is not present in population databases (gnomAD no frequency). This variant has not been reported in the literature in individuals affected with MED12-related conditions. ClinVar contains an entry for this variant (Variation ID: 3367376). Invitae Evidence Modeling of protein sequence and biophysical properties (such as structural, functional, and spatial information, amino acid conservation, physicochemical variation, residue mobility, and thermodynamic stability) indicates that this missense variant is expected to disrupt MED12 protein function with a positive predictive value of 95%. In summary, the available evidence is currently insufficient to determine the role of this variant in disease. Therefore, it has been classified as a Variant of Uncertain Significance.

Ambry Genetics
Classification: Likely pathogenic for Familial thoracic aortic aneurysm and aortic dissection. Last evaluated: 2025-07-30. Review status: criteria provided, single submitter. Criteria: Ambry Variant Classification Scheme 2023. Collection method: clinical testing. Allele origin: germline.
Comment: The c.4607G>A (p.R1536Q) alteration is located in exon 33 (coding exon 33) of the MED12 gene. This alteration results from a G to A substitution at nucleotide position 4607, causing the arginine (R) at amino acid position 1536 to be replaced by a glutamine (Q). This variant was not reported in population-based cohorts in the Genome Aggregation Database (gnomAD). This amino acid position is highly conserved in available vertebrate species. This missense alteration is located in a region that has a low rate of benign missense variation (Lek, 2016; Firth, 2009). This alteration is predicted to be deleterious by in silico analysis. Based on the available evidence, this alteration is classified as likely pathogenic.